The following is an entry in ClinVar:

NM_000391.4(TPP1):c.142A>C (p.Ser48Arg)

Gene: TPP1 (tripeptidyl peptidase 1; minus strand). Cytogenetic location: 11p15.4.
Variant type: single nucleotide variant.
Coding change: c.142A>C on transcript NM_000391.4 (MANE Select); coding-DNA position 142, A replaced by C.
Protein change: p.Ser48Arg; replaces serine 48 with arginine.
Molecular consequence: missense variant.
Genome position (GRCh38, 1-based): chr11:6,618,863, T>G on the plus strand (A>C on the coding strand, the complement: TPP1 is on the minus strand). VCF-style: chr11-6618863-T-G. GRCh37 (hg19) VCF-style: chr11-6640094-T-G.
Other names: short protein forms S48R.
Identifiers: ClinVar variation 1306642 (VCV001306642.6), dbSNP rs201847207, ClinGen allele CA217325556.

ClinVar aggregate classification (germline): Uncertain significance. Review status: criteria provided, multiple submitters, no conflicts (2 of 4 stars). 2 submissions from 2 submitters: Uncertain significance (2). Last evaluated 2021-08-27.

Allele frequency attached by ClinVar (database versions not stated): gnomAD exomes 0.00002.
gnomAD v4.1: 23 of 1,614,042 alleles (0.0014%); highest among the groups gnomAD compares: Middle Eastern, 0.016%; no homozygotes.

Submissions (2):

Labcorp Genetics (formerly Invitae), Labcorp
Classification: Uncertain significance. Last evaluated: 2021-08-27. Review status: criteria provided, single submitter. Criteria: Invitae Variant Classification Sherloc (09022015). Collection method: clinical testing. Allele origin: germline.
Comment: This sequence change replaces serine with arginine at codon 48 of the TPP1 protein (p.Ser48Arg). The serine residue is moderately conserved and there is a moderate physicochemical difference between serine and arginine. This variant is not present in population databases (ExAC no frequency). This variant has not been reported in the literature in individuals affected with TPP1-related conditions. Advanced modeling of protein sequence and biophysical properties (such as structural, functional, and spatial information, amino acid conservation, physicochemical variation, residue mobility, and thermodynamic stability) performed at Invitae indicates that this missense variant is not expected to disrupt TPP1 protein function. In summary, the available evidence is currently insufficient to determine the role of this variant in disease. Therefore, it has been classified as a Variant of Uncertain Significance.

GeneDx
Classification: Uncertain significance. Last evaluated: 2019-03-07. Review status: criteria provided, single submitter. Criteria: GeneDx Variant Classification Process June 2021. Collection method: clinical testing. Allele origin: germline. Affected: yes.
Comment: Not observed in large population cohorts (Lek et al., 2016); In silico analysis, which includes protein predictors and evolutionary conservation, supports that this variant does not alter protein structure/function; Has not been previously published as pathogenic or benign to our knowledge